The following is an entry in ClinVar:

NM_020529.3(NFKBIA):c.301C>A (p.Leu101Met)

Gene: NFKBIA (NFKB inhibitor alpha; minus strand). Cytogenetic location: 14q13.2.
Variant type: single nucleotide variant.
Coding change: c.301C>A on transcript NM_020529.3 (MANE Select); coding-DNA position 301, C replaced by A.
Protein change: p.Leu101Met; replaces leucine 101 with methionine.
Molecular consequence: missense variant.
Genome position (GRCh38, 1-based): chr14:35,403,725, G>T on the plus strand (C>A on the coding strand, the complement: NFKBIA is on the minus strand). VCF-style: chr14-35403725-G-T. GRCh37 (hg19) VCF-style: chr14-35872931-G-T.
Other names: short protein forms L101M.
Identifiers: ClinVar variation 2802297 (VCV002802297.3), dbSNP rs767452313, ClinGen allele CA7155529.

ClinVar aggregate classification (germline): Uncertain significance (1 of 4 stars; one submission).

Conditions:
Ectodermal dysplasia and immunodeficiency 2. Identifiers: Orphanet 238468, Orphanet 98813, MedGen C2677481, MONDO:0012806, OMIM 612132.

Allele frequency attached by ClinVar (database versions not stated): ExAC 0.00001.
gnomAD v4.1: 16 of 1,613,840 alleles (0.00099%); highest among the groups gnomAD compares: Non-Finnish European, 0.0014%; no homozygotes.

Submission:

Labcorp Genetics (formerly Invitae), Labcorp
Classification: Uncertain significance for Ectodermal dysplasia and immunodeficiency 2. Last evaluated: 2025-12-15. Review status: criteria provided, single submitter. Criteria: Invitae Variant Classification Sherloc (09022015). Collection method: clinical testing. Allele origin: germline.
Comment: This sequence change replaces leucine, which is neutral and non-polar, with methionine, which is neutral and non-polar, at codon 101 of the NFKBIA protein (p.Leu101Met). This variant is present in population databases (rs767452313, gnomAD 0.002%). This variant has not been reported in the literature in individuals affected with NFKBIA-related conditions. ClinVar contains an entry for this variant (Variation ID: 2802297). An algorithm developed to predict the effect of missense changes on protein structure and function (PolyPhen-2) suggests that this variant is likely to be tolerated. In summary, the available evidence is currently insufficient to determine the role of this variant in disease. Therefore, it has been classified as a Variant of Uncertain Significance.